The following is an entry in ClinVar:

NM_004168.4(SDHA):c.1172C>G (p.Ala391Gly)

Gene: SDHA (succinate dehydrogenase complex flavoprotein subunit A; plus strand). Cytogenetic location: 5p15.33.
Variant type: single nucleotide variant.
Coding change: c.1172C>G on transcript NM_004168.4 (MANE Select); coding-DNA position 1172, C replaced by G.
Protein change: p.Ala391Gly; replaces alanine 391 with glycine.
Molecular consequence: missense variant.
Genome position (GRCh38, 1-based): chr5:235,251, C>G. VCF-style: chr5-235251-C-G. GRCh37 (hg19) VCF-style: chr5-235366-C-G.
Other names: c.1028C>G, p.Ala343Gly (NM_001294332.2); c.1172C>G, p.Ala391Gly (NM_001330758.2); short protein forms A343G, A391G.
Identifiers: ClinVar variation 1739904 (VCV001739904.8), dbSNP rs755344854, ClinGen allele CA3173127.

ClinVar aggregate classification (germline): Uncertain significance. Review status: criteria provided, multiple submitters, no conflicts (2 of 4 stars). 2 submissions from 2 submitters: Uncertain significance (2). Last evaluated 2025-03-30.

Conditions:
Mitochondrial complex II deficiency, nuclear type 1. Also called: SUCCINATE CoQ REDUCTASE DEFICIENCY. Identifiers: Orphanet 3208, MedGen C5700310, MONDO:0100294, OMIM 252011.
Pheochromocytoma/paraganglioma syndrome 5. Also called: Paragangliomas 5; SDHA-Related Hereditary Paraganglioma-Pheochromocytoma Syndrome. Identifiers: Orphanet 29072, MedGen C3279992, MONDO:0013602, OMIM 614165.
Hereditary cancer-predisposing syndrome. Also called: Hereditary Cancer Syndrome; Hereditary neoplastic syndrome; Neoplastic Syndromes, Hereditary; Tumor predisposition. Identifiers: Orphanet 140162, MedGen C0027672, MeSH D009386, MONDO:0015356.

Allele frequency attached by ClinVar (database versions not stated): ExAC 0.00001; gnomAD 0.00001; TOPMed 0.00002.
gnomAD v4.1: 1 of 1,613,948 alleles (0.000062%); highest among the groups gnomAD compares: African/African-American, 0.0013%; no homozygotes.

Submissions (2):

Ambry Genetics
Classification: Uncertain significance for Hereditary cancer-predisposing syndrome. Last evaluated: 2025-03-30. Review status: criteria provided, single submitter. Criteria: Ambry Variant Classification Scheme 2023. Collection method: clinical testing. Allele origin: germline.
Comment: The p.A391G variant (also known as c.1172C>G), located in coding exon 9 of the SDHA gene, results from a C to G substitution at nucleotide position 1172. The alanine at codon 391 is replaced by glycine, an amino acid with similar properties. This amino acid position is conserved. In addition, the in silico prediction for this alteration is inconclusive. Since supporting evidence is limited at this time, the clinical significance of this alteration remains unclear.

Labcorp Genetics (formerly Invitae), Labcorp
Classification: Uncertain significance for Pheochromocytoma/paraganglioma syndrome 5; Mitochondrial complex II deficiency, nuclear type 1. Last evaluated: 2022-12-25. Review status: criteria provided, single submitter. Criteria: Invitae Variant Classification Sherloc (09022015). Collection method: clinical testing. Allele origin: germline.
Comment: This sequence change replaces alanine, which is neutral and non-polar, with glycine, which is neutral and non-polar, at codon 391 of the SDHA protein (p.Ala391Gly). This variant is present in population databases (rs755344854, gnomAD 0.007%). This variant has not been reported in the literature in individuals affected with SDHA-related conditions. ClinVar contains an entry for this variant (Variation ID: 1739904). Algorithms developed to predict the effect of missense changes on protein structure and function (SIFT, PolyPhen-2, Align-GVGD) all suggest that this variant is likely to be disruptive. In summary, the available evidence is currently insufficient to determine the role of this variant in disease. Therefore, it has been classified as a Variant of Uncertain Significance.